The following is an entry in ClinVar:

ClinVar aggregate classification (germline): Uncertain significance (1 of 4 stars; one submission).

gnomAD v4.1: 88 of 1,598,494 alleles (0.0055%); highest among the groups gnomAD compares: East Asian, 0.19%; 1 homozygote.

Submission:

Ambry Genetics
Classification: Uncertain significance. Last evaluated: 2024-12-02. Review status: criteria provided, single submitter. Criteria: Ambry Variant Classification Scheme 2023. Collection method: clinical testing. Allele origin: germline.
Comment: The p.A2160T variant (also known as c.6478G>A), located in coding exon 27 of the WNK2 gene, results from a G to A substitution at nucleotide position 6478. The alanine at codon 2160 is replaced by threonine, an amino acid with similar properties. This amino acid position is conserved. In addition, this alteration is predicted to be tolerated by in silico analysis. Based on the available evidence, the clinical significance of this variant remains unclear.

NM_006648.4(WNK2):c.6478G>A (p.Ala2160Thr)

Gene: WNK2 (WNK lysine deficient protein kinase 2; plus strand). Cytogenetic location: 9q22.31.
Variant type: single nucleotide variant.
Coding change: c.6478G>A on transcript NM_006648.4 (MANE Select); coding-DNA position 6478, G replaced by A.
Protein change: p.Ala2160Thr; replaces alanine 2160 with threonine.
Molecular consequence: missense variant.
Genome position (GRCh38, 1-based): chr9:93,308,546, G>A. VCF-style: chr9-93308546-G-A. GRCh37 (hg19) VCF-style: chr9-96070828-G-A.
Other names: c.6589G>A, p.Ala2197Thr (NM_001282394.3); short protein forms A2197T, A2160T.
Identifiers: ClinVar variation 3470553 (VCV003470553.1).
Genomic context (GRCh38, chr9:93,308,546, plus strand): 5'-GCGCAGCTGAAGCCCACGCTCAACCAGCTGAAGCAGACCCAGAAGCTGCAAGACATGGAG[G>A]CCCAGGCAGGCTGGGCTGCCCCTGGCGAGGCGCGGGCTGTGAGTGCGGGGCGGGTGGGGC-3'
Protein context (NP_006639.3, residues 2150-2170): KQTQKLQDME[Ala2160Thr]QAGWAAPGEA